The following is an entry in ClinVar:

ClinVar aggregate classification (germline): Conflicting classifications of pathogenicity. Review status: criteria provided, conflicting classifications (1 of 4 stars). 13 submissions from 11 submitters: Uncertain significance (2); Likely benign (8). 3 of the submissions do not count toward it. Last evaluated 2026-05-15.

Conditions:
Hypertrophic cardiomyopathy. Also called: HYPERTROPHIC MYOCARDIOPATHY. Identifiers: Orphanet 217569, MedGen C0007194, MeSH D002312, MONDO:0005045, HP:0001639.
MYH7-related disorder. Also called: MYH7-related disorders; MYH7-related condition; MYH7-related disease.
Cardiovascular phenotype. Identifiers: MedGen CN230736.
Hypertrophic cardiomyopathy 1 (CMH1). Also called: Familial hypertrophic cardiomyopathy 1; MYH7-Related Familial Hypertrophic Cardiomyopathy. Identifiers: MedGen C3495498, MONDO:0008647, OMIM 192600.
MYH7-related skeletal myopathy. Also called: Laing distal myopathy; Myopathy, distal, 1; Laing early-onset distal myopathy; MYOPATHY, DISTAL, EARLY-ONSET, AUTOSOMAL DOMINANT; MYOPATHY, LATE DISTAL HEREDITARY. Identifiers: Orphanet 59135, MedGen C4552004, MONDO:0008050, OMIM 160500.
Myosin storage myopathy (CMYO7A). Also called: SCAPULOPERONEAL MUSCULAR DYSTROPHY; SCAPULOPERONEAL SYNDROME, MYOPATHIC TYPE; MYOPATHY, HYALINE BODY, AUTOSOMAL DOMINANT; MYH7-related late-onset scapuloperoneal muscular dystrophy; Congenital myopathy 7A, myosin storage, autosomal dominant; Scapuloperoneal myopathy, MYH7-related. Identifiers: Orphanet 437572, Orphanet 636965, MedGen C1842160, MONDO:0008409, OMIM 608358.
Cardiomyopathy (CMYO). Also called: Cardiomyopathies. Identifiers: Orphanet 167848, MedGen C0878544, MONDO:0004994, HP:0001638. Inheritance: Various modes of inheritance.

Allele frequency attached by ClinVar (database versions not stated): ExAC 0.00002; gnomAD 0.00002; gnomAD exomes 0.00002 and 0.00003; TOPMed 0.00002; ESP Exome Variant Server 0.00008.
gnomAD v4.1: 29 of 1,614,056 alleles (0.0018%); highest among the groups gnomAD compares: Middle Eastern, 0.049%; no homozygotes.

Submissions (13):

PreventionGenetics, part of Exact Sciences
Classification: Likely benign for MYH7-related condition. Last evaluated: 2026-05-15. Review status: criteria provided, single submitter. Criteria: ACMG Guidelines, 2015. Collection method: clinical testing. Allele origin: germline.
Comment: This variant is classified as likely benign based on ACMG/AMP sequence variant interpretation guidelines (Richards et al. 2015 PMID: 25741868, with internal and published modifications).

Labcorp Genetics (formerly Invitae), Labcorp
Classification: Likely benign for Hypertrophic cardiomyopathy. Last evaluated: 2025-12-01. Review status: criteria provided, single submitter. Criteria: Invitae Variant Classification Sherloc (09022015). Collection method: clinical testing. Allele origin: germline.

All of Us Research Program, National Institutes of Health
Classification: Likely benign for Cardiomyopathy. Last evaluated: 2024-07-20. Review status: criteria provided, single submitter. Criteria: ACMG Guidelines, 2015. Collection method: clinical testing. Allele origin: germline. Inheritance: Autosomal dominant inheritance. Observed: 5 variant alleles, 5 heterozygotes.
Comment: This study involves interpretation of variants in research participants for the purpose of population health screening. Participant phenotype was not available at the time of variant classification. Additional details can be found in publication PMID: 35346344, PMCID: PMC8962531

Ambry Genetics
Classification: Likely benign for Cardiovascular phenotype. Last evaluated: 2023-09-23. Review status: criteria provided, single submitter. Criteria: Ambry Variant Classification Scheme 2023. Collection method: clinical testing. Allele origin: germline.

CHEO Genetics Diagnostic Laboratory, Children's Hospital of Eastern Ontario
Classification: Likely benign for Cardiomyopathy. Last evaluated: 2023-05-29. Review status: criteria provided, single submitter. Criteria: ACMG Guidelines, 2015. Collection method: clinical testing. Allele origin: germline.

Color Diagnostics, LLC DBA Color Health
Classification: Likely benign for Cardiomyopathy. Last evaluated: 2020-04-28. Review status: criteria provided, single submitter. Criteria: ACMG Guidelines, 2015. Collection method: clinical testing. Allele origin: germline.

GeneDx
Classification: Likely benign. Last evaluated: 2020-04-14. Review status: criteria provided, single submitter. Criteria: GeneDx Variant Classification Process June 2021. Collection method: clinical testing. Allele origin: germline. Affected: yes.
Comment: See Variant Classification Assertion Criteria.

Illumina Laboratory Services, Illumina
Classification: Likely benign for MYH7-related skeletal myopathy. Last evaluated: 2018-01-13. Review status: criteria provided, single submitter. Criteria: ICSL Variant Classification Criteria 13 December 2019. Collection method: clinical testing. Allele origin: germline.
Comment: This variant was observed in the ICSL laboratory as part of a predisposition screen in an ostensibly healthy population. It had not been previously curated by ICSL or reported in the Human Gene Mutation Database (HGMD: prior to June 1st, 2018), and was therefore a candidate for classification through an automated scoring system. Utilizing variant allele frequency, disease prevalence and penetrance estimates, and inheritance mode, an automated score was calculated to assess if this variant is too frequent to cause the disease. Based on the score and internal cut-off values, a variant classified as likely benign is not then subjected to further curation. The score for this variant resulted in a classification of likely benign for this disease.

Illumina Laboratory Services, Illumina
Classification: Uncertain significance for Myosin storage myopathy. Last evaluated: 2018-01-13. Review status: criteria provided, single submitter. Criteria: ICSL Variant Classification Criteria 13 December 2019. Collection method: clinical testing. Allele origin: germline.

Illumina Laboratory Services, Illumina
Classification: Uncertain significance for Hypertrophic cardiomyopathy 1. Last evaluated: 2018-01-13. Review status: criteria provided, single submitter. Criteria: ICSL Variant Classification Criteria 13 December 2019. Collection method: clinical testing. Allele origin: germline.

Clinical Genetics DNA and cytogenetics Diagnostics Lab, Erasmus MC, Erasmus Medical Center
Classification: Likely benign. Review status: no assertion criteria provided. Collection method: clinical testing. Allele origin: germline. Affected: yes. Study: VKGL Data-share Consensus. Not counted in ClinVar's aggregate classification.

Diagnostic Laboratory, Department of Genetics, University Medical Center Groningen
Classification: Likely benign. Review status: no assertion criteria provided. Collection method: clinical testing. Allele origin: germline. Affected: yes. Study: VKGL Data-share Consensus. Not counted in ClinVar's aggregate classification.

Joint Genome Diagnostic Labs from Nijmegen and Maastricht, Radboudumc and MUMC+
Classification: Likely benign. Review status: no assertion criteria provided. Collection method: clinical testing. Allele origin: germline. Affected: yes. Study: VKGL Data-share Consensus. Not counted in ClinVar's aggregate classification.

NM_000257.4(MYH7):c.4908C>T (p.Ala1636=)

Genes: MHRT (myosin heavy chain associated RNA transcript; plus strand), MYH7 (myosin heavy chain 7; minus strand), LOC126861897 (BRD4-independent group 4 enhancer GRCh37_chr14:23884455-23885654; plus strand). Cytogenetic location: 14q11.2.
Variant type: single nucleotide variant.
Coding change: c.4908C>T on transcript NM_000257.4 (MANE Select); coding-DNA position 4908, C replaced by T.
Protein change: p.Ala1636=; no amino-acid change (alanine 1636 retained).
Molecular consequence: synonymous variant. On other transcripts: non-coding transcript variant (1).
Genome position (GRCh38, 1-based): chr14:23,416,049, G>A on the plus strand (C>T on the coding strand, the complement: MYH7 is on the minus strand). VCF-style: chr14-23416049-G-A. GRCh37 (hg19) VCF-style: chr14-23885258-G-A.
Other names: c.4908C>T (LRG_384t1).
Identifiers: ClinVar variation 312893 (VCV000312893.32), dbSNP rs150241539, ClinGen allele CA044195.